The following is an entry in ClinVar:

NM_001376.5(DYNC1H1):c.6136C>T (p.Arg2046Trp)

Gene: DYNC1H1 (dynein cytoplasmic 1 heavy chain 1; plus strand). Cytogenetic location: 14q32.31.
Variant type: single nucleotide variant.
Coding change: c.6136C>T on transcript NM_001376.5 (MANE Select); coding-DNA position 6136, C replaced by T.
Protein change: p.Arg2046Trp; replaces arginine 2046 with tryptophan.
Molecular consequence: missense variant.
Genome position (GRCh38, 1-based): chr14:102,010,001, C>T. VCF-style: chr14-102010001-C-T. GRCh37 (hg19) VCF-style: chr14-102476338-C-T.
Other names: short protein forms R2046W.
Identifiers: ClinVar variation 982939 (VCV000982939.3), dbSNP rs1400178483, ClinGen allele CA391053312.

ClinVar aggregate classification (germline): Conflicting classifications of pathogenicity. Review status: criteria provided, conflicting classifications (1 of 4 stars). 2 submissions from 2 submitters: Likely pathogenic (1); Uncertain significance (1). Last evaluated 2025-08-13.

Conditions:
Cortical dysplasia, complex, with other brain malformations 13. Also called: Intellectual disability, autosomal dominant 13. Identifiers: MedGen C3281202, MONDO:0013805, OMIM 614563.

Submissions (2):

GeneDx
Classification: Likely pathogenic. Last evaluated: 2025-08-13. Review status: criteria provided, single submitter. Criteria: GeneDx Variant Classification Process June 2021. Collection method: clinical testing. Allele origin: germline.
Comment: Not observed at significant frequency in large population cohorts (gnomAD); In silico analysis supports that this missense variant has a deleterious effect on protein structure/function; Has not been previously published as pathogenic or benign to our knowledge; This variant is associated with the following publications: (PMID: 25512093, 25609763, 26100331)

Institute of Human Genetics, University of Leipzig Medical Center
Classification: Uncertain significance for Cortical dysplasia, complex, with other brain malformations 13. Last evaluated: 2019-01-01. Review status: criteria provided, single submitter. Criteria: ACMG Guidelines, 2015. Collection method: clinical testing. Allele origin: unknown. Affected: yes.